The following is an entry in ClinVar:

ClinVar aggregate classification (germline): Likely pathogenic (1 of 4 stars; one submission).

Conditions:
ALG6-congenital disorder of glycosylation 1C (CDG1C). Also called: CDG Ic; Congenital disorder of glycosylation, type Ic; CARBOHYDRATE-DEFICIENT GLYCOPROTEIN SYNDROME, TYPE I, WITH DEFICIENT GLYCOSYLATION OF DOLICHOL-LINKED OLIGOSACCHARIDE; CARBOHYDRATE-DEFICIENT GLYCOPROTEIN SYNDROME, TYPE V; Congenital disorder of glycosylation type 1C. Identifiers: Orphanet 79320, MedGen C2930997, MONDO:0011291, OMIM 603147.

Allele frequency attached by ClinVar (database versions not stated): gnomAD exomes below 0.00001.
gnomAD v4.1: 1 of 1,614,006 alleles (0.000062%); highest among the groups gnomAD compares: Admixed American, 0.0017%; no homozygotes.

Submission:

Labcorp Genetics (formerly Invitae), Labcorp
Classification: Likely pathogenic for ALG6-congenital disorder of glycosylation 1C. Last evaluated: 2023-03-12. Review status: criteria provided, single submitter. Criteria: Invitae Variant Classification Sherloc (09022015). Collection method: clinical testing. Allele origin: germline.
Comment: In summary, the currently available evidence indicates that the variant is pathogenic, but additional data are needed to prove that conclusively. Therefore, this variant has been classified as Likely Pathogenic. Algorithms developed to predict the effect of sequence changes on RNA splicing suggest that this variant may disrupt the consensus splice site. This variant has not been reported in the literature in individuals affected with ALG6-related conditions. This variant is not present in population databases (gnomAD no frequency). This sequence change affects an acceptor splice site in intron 8 of the ALG6 gene. It is expected to disrupt RNA splicing. Variants that disrupt the donor or acceptor splice site typically lead to a loss of protein function (PMID: 16199547), and loss-of-function variants in ALG6 are known to be pathogenic (PMID: 19862844).

Literature cited by the submitters: PubMed 16199547; PubMed 19862844.

NM_013339.4(ALG6):c.681-1G>T

Gene: ALG6 (ALG6 alpha-1,3-glucosyltransferase; plus strand). Cytogenetic location: 1p31.3.
Variant type: single nucleotide variant.
Coding change: c.681-1G>T on transcript NM_013339.4 (MANE Select); the canonical splice acceptor site of the intron before coding-DNA position 681, G replaced by T.
Molecular consequence: splice acceptor variant.
Genome position (GRCh38, 1-based): chr1:63,411,925, G>T. VCF-style: chr1-63411925-G-T. GRCh37 (hg19) VCF-style: chr1-63877596-G-T.
Identifiers: ClinVar variation 2809974 (VCV002809974.3), dbSNP rs2523750197, ClinGen allele CA340635257.